The following is an entry in ClinVar:

ClinVar aggregate classification (germline): Conflicting classifications of pathogenicity. Review status: criteria provided, conflicting classifications (1 of 4 stars). 4 submissions from 4 submitters: Uncertain significance (2); Likely benign (1). 1 of the submissions does not count toward it. Last evaluated 2026-01-26.

Conditions:
Pituitary hormone deficiency, combined, 2. Also called: PROP1-Related Combined Pituitary Hormone Deficiency; ATELIOTIC DWARFISM WITH HYPOGONADISM; HANHART DWARFISM; PITUITARY DWARFISM III. Identifiers: MedGen C0878683, MONDO:0009878, OMIM 262600.

Allele frequency attached by ClinVar (database versions not stated): TOPMed 0.00022; 1000 Genomes Project 30x 0.00031.
gnomAD v4.1: 100 of 1,611,478 alleles (0.0062%); highest among the groups gnomAD compares: East Asian, 0.13%; no homozygotes.

Submissions (4):

Labcorp Genetics (formerly Invitae), Labcorp
Classification: Likely benign. Last evaluated: 2026-01-26. Review status: criteria provided, single submitter. Criteria: Invitae Variant Classification Sherloc (09022015). Collection method: clinical testing. Allele origin: germline.

Women's Health and Genetics/Laboratory Corporation of America, LabCorp
Classification: Uncertain significance. Last evaluated: 2025-05-13. Review status: criteria provided, single submitter. Criteria: LabCorp Variant Classification Summary - May 2015. Collection method: clinical testing. Allele origin: germline.
Comment: Variant summary: PROP1 c.152G>T (p.Gly51Val) results in a non-conservative amino acid change in the encoded protein sequence. Four of five in-silico tools predict a benign effect of the variant on protein function. The variant allele was found at a frequency of 6.2e-05 in 1611478 control chromosomes, predominantly at a frequency of 0.0013 within the East Asian subpopulation in the gnomAD database. This frequency is not significantly higher than estimated for a pathogenic variant in PROP1 causing Combined Pituitary Hormone Deficiency (6.2e-05 vs 0.0041), allowing no conclusion about variant significance. c.152G>T has been reported in the literature in individuals affected with Congenital hypothyroidism (Wang_2020). This report, however, does not provide unequivocal conclusions about association of the variant with Combined Pituitary Hormone Deficiency. Co-occurrence with other pathogenic variant has been reported (a 400 bp deletion of ANOS1), providing supporting evidence for a benign role (Dwyer_2023). To our knowledge, no experimental evidence demonstrating an impact on protein function has been reported. The following publications have been ascertained in the context of this evaluation (PMID: 36268624, 32319661). ClinVar contains an entry for this variant (Variation ID: 742937). Based on the evidence outlined above, the variant was classified as uncertain significance.

GeneDx
Classification: Uncertain significance. Last evaluated: 2024-05-17. Review status: criteria provided, single submitter. Criteria: GeneDx Variant Classification Process June 2021. Collection method: clinical testing. Allele origin: germline. Affected: yes.
Comment: In silico analysis indicates that this missense variant does not alter protein structure/function; This variant is associated with the following publications: (PMID: 36268624, 32319661)

Natera, Inc.
Classification: Uncertain significance for Combined pituitary hormone deficiency type 2. Last evaluated: 2020-01-24. Review status: no assertion criteria provided. Collection method: clinical testing. Allele origin: germline. Not counted in ClinVar's aggregate classification.

Literature cited by the submitters: PubMed 32319661 (cited by Women's Health and Genetics/Laboratory Corporation of America, LabCorp); PubMed 36268624 (cited by Women's Health and Genetics/Laboratory Corporation of America, LabCorp).

NM_006261.5(PROP1):c.152G>T (p.Gly51Val)

Gene: PROP1 (PROP paired-like homeobox 1; minus strand). Cytogenetic location: 5q35.3.
Variant type: single nucleotide variant.
Coding change: c.152G>T on transcript NM_006261.5 (MANE Select); coding-DNA position 152, G replaced by T.
Protein change: p.Gly51Val; replaces glycine 51 with valine.
Molecular consequence: missense variant.
Genome position (GRCh38, 1-based): chr5:177,994,296, C>A on the plus strand (G>T on the coding strand, the complement: PROP1 is on the minus strand). VCF-style: chr5-177994296-C-A. GRCh37 (hg19) VCF-style: chr5-177421297-C-A.
Other names: short protein forms G51V.
Identifiers: ClinVar variation 742937 (VCV000742937.15), dbSNP rs2233783, ClinGen allele CA3587602.